The following is an entry in ClinVar:

ClinVar aggregate classification (germline): Uncertain significance (1 of 4 stars; one submission).

Conditions:
SNTG1-related disorder. Also called: SNTG1-related condition.

gnomAD v4.1: 1 of 1,613,996 alleles (0.000062%); highest among the groups gnomAD compares: Non-Finnish European, 0.000085%; no homozygotes.

Submission:

PreventionGenetics, part of Exact Sciences
Classification: Uncertain significance for SNTG1-related condition. Last evaluated: 2025-12-19. Review status: criteria provided, single submitter. Criteria: ACMG Guidelines, 2015. Collection method: clinical testing. Allele origin: germline.
Comment: The SNTG1 c.591G>C variant is predicted to result in the amino acid substitution p.Leu197Phe. To our knowledge, this variant has not been reported in the literature or in a large population database (gnomAD), indicating this variant is rare. At this time, the clinical significance of this variant is uncertain due to the absence of conclusive functional and genetic evidence.

NM_018967.5(SNTG1):c.591G>C (p.Leu197Phe)

Gene: SNTG1 (syntrophin gamma 1; plus strand). Cytogenetic location: 8q11.21.
Variant type: single nucleotide variant.
Coding change: c.591G>C on transcript NM_018967.5 (MANE Select); coding-DNA position 591, G replaced by C.
Protein change: p.Leu197Phe; replaces leucine 197 with phenylalanine.
Molecular consequence: missense variant. On other transcripts: non-coding transcript variant (5).
Genome position (GRCh38, 1-based): chr8:50,536,719, G>C. VCF-style: chr8-50536719-G-C. GRCh37 (hg19) VCF-style: chr8-51449279-G-C.
Other names: c.591G>C, p.Leu197Phe (NM_001287813.3, NM_001287814.3, NM_001321773.2 and 4 more transcripts); short protein forms L197F.
Identifiers: ClinVar variation 4992173 (VCV004992173.1).